The following is an entry in ClinVar:

ClinVar aggregate classification (germline): Pathogenic. Review status: criteria provided, multiple submitters, no conflicts (2 of 4 stars). 2 submissions from 2 submitters: Pathogenic (2). Last evaluated 2013-02-08.

Conditions:
Cornelia de Lange syndrome 1 (CDLS1). Also called: Brachmann de Lange syndrome; NIPBL-Related Cornelia de Lange Syndrome; TYPUS DEGENERATIVUS AMSTELODAMENSIS. Identifiers: Orphanet 199, MedGen C4551851, MONDO:0007387, OMIM 122470.

Submissions (2):

Genetic Services Laboratory, University of Chicago
Classification: Pathogenic for Cornelia de Lange syndrome 1. Last evaluated: 2013-02-08. Review status: criteria provided, single submitter. Criteria: ACMG Guidelines, 2007. Collection method: clinical testing. Allele origin: germline. Inheritance: Autosomal dominant inheritance. Affected: yes.

Juno Genomics, Hangzhou Juno Genomics, Inc
Classification: Pathogenic for Cornelia de Lange syndrome 1. Review status: criteria provided, single submitter. Criteria: ACMG Guidelines, 2015. Collection method: clinical testing. Allele origin: germline. Affected: yes.
Comment: Absent from controls (or at extremely low frequency if recessive) in Genome Aggregation Database, Exome Sequencing Project, 1000 Genomes Project, or Exome Aggregation Consortium.;Null variant in a gene where loss of function (LOF) is a known mechanism of disease.;De novo (both maternity and paternity confirmed) in a patient with the disease and no family history.;Patient's phenotype or family history is highly specific for a disease with a single genetic etiology.

NM_133433.4(NIPBL):c.145G>T (p.Glu49Ter)

Gene: NIPBL (NIPBL cohesin loading factor; plus strand). Cytogenetic location: 5p13.2.
Variant type: single nucleotide variant.
Coding change: c.145G>T on transcript NM_133433.4 (MANE Select); coding-DNA position 145, G replaced by T.
Protein change: p.Glu49Ter; replaces glutamic acid 49 with a stop codon.
Molecular consequence: nonsense.
Genome position (GRCh38, 1-based): chr5:36,955,552, G>T. VCF-style: chr5-36955552-G-T. GRCh37 (hg19) VCF-style: chr5-36955654-G-T.
Other names: c.145G>T, p.Glu49Ter (NM_015384.5); short protein forms E49*.
Identifiers: ClinVar variation 159035 (VCV000159035.8), dbSNP rs587783886, ClinGen allele CA271971.
Genomic context (GRCh38, chr5:36,955,552, plus strand): 5'-CCATCTCCTTTACCTGCTACAACTACAAAGAGCCTTCTCTTTAATGCACGAATAGCAGAA[G>T]AGGTGAACTGCCTTTTGGCTTGTAGGGATGACAATTTGGTTTCACAGCTTGTCCATAGCC-3'